The following is an entry in ClinVar:

NM_002890.3(RASA1):c.2438C>T (p.Ala813Val)

Genes: CCNH (cyclin H; minus strand), RASA1 (RAS p21 protein activator 1; plus strand). Cytogenetic location: 5q14.3.
Variant type: single nucleotide variant.
Coding change: c.2438C>T on transcript NM_002890.3 (MANE Select); coding-DNA position 2438, C replaced by T.
Protein change: p.Ala813Val; replaces alanine 813 with valine.
Molecular consequence: missense variant. On other transcripts: intron variant (1).
Genome position (GRCh38, 1-based): chr5:87,378,489, C>T. VCF-style: chr5-87378489-C-T. GRCh37 (hg19) VCF-style: chr5-86674306-C-T.
Other names: c.1907C>T, p.Ala636Val (NM_022650.3); c.933+16555G>A (NM_001364075.2); short protein forms A636V, A813V.
Identifiers: ClinVar variation 3222914 (VCV003222914.1), dbSNP rs2531355341, ClinGen allele CA360382540.

ClinVar aggregate classification (germline): Uncertain significance (1 of 4 stars; one submission).

Conditions:
Cardiovascular phenotype. Identifiers: MedGen CN230736.

Submission:

Ambry Genetics
Classification: Uncertain significance for Cardiovascular phenotype. Last evaluated: 2023-10-05. Review status: criteria provided, single submitter. Criteria: Ambry Variant Classification Scheme 2023. Collection method: clinical testing. Allele origin: germline.
Comment: The p.A813V variant (also known as c.2438C>T), located in coding exon 18 of the RASA1 gene, results from a C to T substitution at nucleotide position 2438. The alanine at codon 813 is replaced by valine, an amino acid with similar properties. This amino acid position is conserved. In addition, this alteration is predicted to be deleterious by in silico analysis. Since supporting evidence is limited at this time, the clinical significance of this alteration remains unclear.